The following is an entry in ClinVar:

ClinVar aggregate classification (germline): Likely pathogenic. Review status: criteria provided, multiple submitters, no conflicts (2 of 4 stars). 2 submissions from 2 submitters: Likely pathogenic (2). Last evaluated 2025-04-16.

Conditions:
Smith-Lemli-Opitz syndrome (SLOS). Also called: LETHAL ACRODYSGENITAL SYNDROME; POLYDACTYLY, SEX REVERSAL, RENAL HYPOPLASIA, AND UNILOBAR LUNG; RSH SYNDROME; RUTLEDGE LETHAL MULTIPLE CONGENITAL ANOMALY SYNDROME; 7-Dehydrocholesterol reductase deficiency. Identifiers: Orphanet 818, MedGen C0175694, MONDO:0010035, OMIM 270400.

Submissions (2):

Natera, Inc.
Classification: Likely pathogenic for Smith-Lemli-Opitz syndrome. Last evaluated: 2025-04-16. Review status: criteria provided, single submitter. Criteria: Natera Variant Classification Schema (03/2026). Collection method: clinical testing. Allele origin: germline.
Comment: The c.523G>C variant in DHCR7 is a missense variant predicted to cause substitution of aspartic acid to histidine at amino acid 175. This variant is rare in the general population with a frequency below the threshold expected for the associated phenotype(s). This variant has been observed in one or more individuals affected with the associated recessive disease, as either homozygous or compound heterozygous with a second variant (PMID: 10814720, 15896653, 23918729). Computational prediction algorithms indicate this variant is likely to affect gene or protein function. Given the available evidence, this variant is classified as Likely Pathogenic.

Fulgent Genetics
Classification: Likely pathogenic for Smith-Lemli-Opitz syndrome. Last evaluated: 2024-03-19. Review status: criteria provided, single submitter. Criteria: ACMG Guidelines, 2015. Collection method: clinical testing. Allele origin: germline.

Literature cited by the submitters: PubMed 10814720 (cited by Natera, Inc.); PubMed 15896653 (cited by Natera, Inc.); PubMed 23918729 (cited by Natera, Inc.).

NM_001360.3(DHCR7):c.523G>C (p.Asp175His)

Gene: DHCR7 (7-dehydrocholesterol reductase; minus strand). Cytogenetic location: 11q13.4.
Variant type: single nucleotide variant.
Coding change: c.523G>C on transcript NM_001360.3 (MANE Select); coding-DNA position 523, G replaced by C.
Protein change: p.Asp175His; replaces aspartic acid 175 with histidine.
Molecular consequence: missense variant.
Genome position (GRCh38, 1-based): chr11:71,441,330, C>G on the plus strand (G>C on the coding strand, the complement: DHCR7 is on the minus strand). VCF-style: chr11-71441330-C-G. GRCh37 (hg19) VCF-style: chr11-71152376-C-G.
Other names: c.523G>C, p.Asp175His (NM_001163817.2, NM_001425107.1, NM_001425109.1 and 7 more transcripts); c.559G>C, p.Asp187His (NM_001425108.1); c.463G>C, p.Asp155His (NM_001425113.1); c.427G>C, p.Asp143His (NM_001425114.1, NM_001425116.1); c.349G>C, p.Asp117His (NM_001425117.1); short protein forms D117H, D155H, D187H, D175H, D143H.
Identifiers: ClinVar variation 3573985 (VCV003573985.2).